The following is an entry in ClinVar:

NM_005026.5(PIK3CD):c.319G>A (p.Asp107Asn)

Gene: PIK3CD (phosphatidylinositol-4,5-bisphosphate 3-kinase catalytic subunit delta; plus strand). Cytogenetic location: 1p36.22.
Variant type: single nucleotide variant.
Coding change: c.319G>A on transcript NM_005026.5 (MANE Select); coding-DNA position 319, G replaced by A.
Protein change: p.Asp107Asn; replaces aspartic acid 107 with asparagine.
Molecular consequence: missense variant.
Genome position (GRCh38, 1-based): chr1:9,715,718, G>A. VCF-style: chr1-9715718-G-A. GRCh37 (hg19) VCF-style: chr1-9775776-G-A.
Other names: c.319G>A, p.Asp107Asn (NM_001350234.2, NM_001350235.1, NM_001437546.1 and 3 more transcripts); short protein forms D107N.
Identifiers: ClinVar variation 4806624 (VCV004806624.1).
Genomic context (GRCh38, chr1:9,715,718, plus strand): 5'-CGGCGTCTGTGTGACGTGCAGCCCTTCCTGCCCGTCCTGCGCCTGGTGGCCCGTGAGGGC[G>A]ACCGCGTGAAGAAGCTCATCAACTCACAGATCAGCCTCCTCATCGGCAAAGGTAGCTCTG-3'
Protein context (NP_005017.3, residues 97-117): PVLRLVAREG[Asp107Asn]RVKKLINSQI

ClinVar aggregate classification (germline): Uncertain significance (1 of 4 stars; one submission).

Conditions:
Immunodeficiency 14 (IMD14A). Also called: p110-DELTA-ACTIVATING MUTATION CAUSING SENESCENT T CELLS, LYMPHADENOPATHY, AND IMMUNODEFICIENCY; ACTIVATED PI3K-DELTA SYNDROME 1; Activated PI3K Delta Syndrome Type 1 (APDS1); IMMUNODEFICIENCY 14A WITH LYMPHOPROLIFERATION, AUTOSOMAL DOMINANT. Identifiers: Orphanet 397596, Orphanet 693661, MedGen C5907821, MONDO:0014222, OMIM 615513.

gnomAD v4.1: 11 of 1,613,492 alleles (0.00068%); highest among the groups gnomAD compares: East Asian, 0.0022%; no homozygotes.

Submission:

Labcorp Genetics (formerly Invitae), Labcorp
Classification: Uncertain significance for Activated PI3K-delta syndrome. Last evaluated: 2025-11-25. Review status: criteria provided, single submitter. Criteria: Invitae Variant Classification Sherloc (09022015). Collection method: clinical testing. Allele origin: germline.
Comment: This sequence change replaces aspartic acid, which is acidic and polar, with asparagine, which is neutral and polar, at codon 107 of the PIK3CD protein (p.Asp107Asn). This variant is present in population databases (rs759579609, gnomAD 0.006%). This variant has not been reported in the literature in individuals affected with PIK3CD-related conditions. Invitae Evidence Modeling of protein sequence and biophysical properties (such as structural, functional, and spatial information, amino acid conservation, physicochemical variation, residue mobility, and thermodynamic stability) indicates that this missense variant is not expected to disrupt PIK3CD protein function with a negative predictive value of 80%. In summary, the available evidence is currently insufficient to determine the role of this variant in disease. Therefore, it has been classified as a Variant of Uncertain Significance.